The following is an entry in ClinVar:

ClinVar aggregate classification (germline): Uncertain significance (1 of 4 stars; one submission).

Submission:

GeneDx
Classification: Uncertain significance. Last evaluated: 2026-03-24. Review status: criteria provided, single submitter. Criteria: GeneDx Variant Classification Process June 2021. Collection method: clinical testing. Allele origin: germline.
Comment: Not observed at significant frequency in large population cohorts (gnomAD); In silico analysis supports that this missense variant has a deleterious effect on protein structure/function; Has not been previously published as pathogenic or benign to our knowledge

NM_134261.3(RORA):c.1541A>T (p.Glu514Val)

Genes: RORA (RAR related orphan receptor A; minus strand), RORA-AS1 (RORA antisense RNA 1; plus strand). Cytogenetic location: 15q22.2.
Variant type: single nucleotide variant.
Coding change: c.1541A>T on transcript NM_134261.3 (MANE Select); coding-DNA position 1541, A replaced by T.
Protein change: p.Glu514Val; replaces glutamic acid 514 with valine.
Molecular consequence: missense variant.
Genome position (GRCh38, 1-based): chr15:60,497,486, T>A on the plus strand (A>T on the coding strand, the complement: RORA is on the minus strand). VCF-style: chr15-60497486-T-A. GRCh37 (hg19) VCF-style: chr15-60789685-T-A.
Other names: c.1616A>T, p.Glu539Val (NM_002943.4); c.1640A>T, p.Glu547Val (NM_134260.3); c.1376A>T, p.Glu459Val (NM_134262.3); short protein forms E459V, E514V, E539V, E547V.
Identifiers: ClinVar variation 5017408 (VCV005017408.1).